The following is an entry in ClinVar:

NM_024649.5(BBS1):c.1628G>A (p.Gly543Glu)

Genes: BBS1 (Bardet-Biedl syndrome 1; plus strand), ZDHHC24 (zDHHC palmitoyltransferase 24; minus strand). Cytogenetic location: 11q13.2.
Variant type: single nucleotide variant.
Coding change: c.1628G>A on transcript NM_024649.5 (MANE Select); coding-DNA position 1628, G replaced by A.
Protein change: p.Gly543Glu; replaces glycine 543 with glutamic acid.
Molecular consequence: missense variant. On other transcripts: intron variant (1).
Genome position (GRCh38, 1-based): chr11:66,531,675, G>A. VCF-style: chr11-66531675-G-A. GRCh37 (hg19) VCF-style: chr11-66299146-G-A.
Other names: c.1628G>A (NM_024649.4); c.560-2187C>T (NM_001348571.2); short protein forms G543E.
Identifiers: ClinVar variation 1047189 (VCV001047189.47), dbSNP rs778941006, ClinGen allele CA224050440.

ClinVar aggregate classification (germline): Uncertain significance. Review status: criteria provided, multiple submitters, no conflicts (2 of 4 stars). 3 submissions from 3 submitters: Uncertain significance (2). 1 of the submissions does not count toward it. Last evaluated 2026-07-15.

Conditions:
BBS1-related disorder. Also called: BBS1-related condition.
Bardet-Biedl syndrome 1 (BBS1). Identifiers: MedGen C2936862, MONDO:0008854, OMIM 209900. Disease mechanism: loss of function.
Bardet-Biedl syndrome (BBS). Identifiers: Orphanet 110, MedGen C0752166, MONDO:0015229.

Allele frequency attached by ClinVar (database versions not stated): gnomAD exomes 0.00001.
gnomAD v4.1: 12 of 1,614,026 alleles (0.00074%); highest among the groups gnomAD compares: Non-Finnish European, 0.001%; no homozygotes.

Submissions (3):

PreventionGenetics, part of Exact Sciences
Classification: Uncertain significance for BBS1-related condition. Last evaluated: 2026-07-15. Review status: criteria provided, single submitter. Criteria: ACMG Guidelines, 2015. Collection method: clinical testing. Allele origin: germline.
Comment: The BBS1 c.1628G>A variant is predicted to result in the amino acid substitution p.Gly543Glu. To our knowledge, this variant has not been reported in the literature or in a large population database (gnomAD), indicating this variant is rare. At this time, the clinical significance of this variant is uncertain due to the absence of conclusive functional and genetic evidence.

Labcorp Genetics (formerly Invitae), Labcorp
Classification: Uncertain significance for Bardet-Biedl syndrome. Last evaluated: 2021-08-24. Review status: criteria provided, single submitter. Criteria: Invitae Variant Classification Sherloc (09022015). Collection method: clinical testing. Allele origin: germline.
Comment: This sequence change replaces glycine with glutamic acid at codon 543 of the BBS1 protein (p.Gly543Glu). The glycine residue is highly conserved and there is a moderate physicochemical difference between glycine and glutamic acid. This variant is not present in population databases (ExAC no frequency). This variant has not been reported in the literature in individuals affected with BBS1-related conditions. Algorithms developed to predict the effect of missense changes on protein structure and function (SIFT, PolyPhen-2, Align-GVGD) all suggest that this variant is likely to be disruptive. In summary, the available evidence is currently insufficient to determine the role of this variant in disease. Therefore, it has been classified as a Variant of Uncertain Significance.

Natera, Inc.
Classification: Uncertain significance for Bardet-Biedl syndrome type 1. Last evaluated: 2021-05-26. Review status: no assertion criteria provided. Collection method: clinical testing. Allele origin: germline. Not counted in ClinVar's aggregate classification.